The following is an entry in ClinVar:

ClinVar aggregate classification (germline): Uncertain significance (1 of 4 stars; one submission).

Submission:

Labcorp Genetics (formerly Invitae), Labcorp
Classification: Uncertain significance. Last evaluated: 2025-07-23. Review status: criteria provided, single submitter. Criteria: Invitae Variant Classification Sherloc (09022015). Collection method: clinical testing. Allele origin: germline.
Comment: This sequence change replaces aspartic acid, which is acidic and polar, with asparagine, which is neutral and polar, at codon 1647 of the RIMS1 protein (p.Asp1647Asn). This variant is not present in population databases (gnomAD no frequency). This variant has not been reported in the literature in individuals affected with RIMS1-related conditions. An algorithm developed to predict the effect of missense changes on protein structure and function (PolyPhen-2) suggests that this variant is likely to be tolerated. In summary, the available evidence is currently insufficient to determine the role of this variant in disease. Therefore, it has been classified as a Variant of Uncertain Significance.

NM_014989.7(RIMS1):c.4939G>A (p.Asp1647Asn)

Gene: RIMS1 (regulating synaptic membrane exocytosis 1; plus strand). Cytogenetic location: 6q13.
Variant type: single nucleotide variant.
Coding change: c.4939G>A on transcript NM_014989.7 (MANE Select); coding-DNA position 4939, G replaced by A.
Protein change: p.Asp1647Asn; replaces aspartic acid 1647 with asparagine.
Molecular consequence: missense variant.
Genome position (GRCh38, 1-based): chr6:72,400,574, G>A. VCF-style: chr6-72400574-G-A. GRCh37 (hg19) VCF-style: chr6-73110276-G-A.
Other names: c.2071G>A, p.Asp691Asn (NM_001350465.2); c.2590G>A, p.Asp864Asn (NM_001350466.2); c.2506G>A, p.Asp836Asn (NM_001350467.2); c.2431G>A, p.Asp811Asn (NM_001350468.2); c.2659G>A, p.Asp887Asn (NM_001350469.2); c.2347G>A, p.Asp783Asn (NM_001350470.2); c.2740G>A, p.Asp914Asn (NM_001350471.2); c.2266G>A, p.Asp756Asn (NM_001350472.2); and 54 more; short protein forms D1029N, D174N, D691N, D721N, D749N, D771N, D773N, D781N.
Identifiers: ClinVar variation 4723934 (VCV004723934.1).